The following is an entry in ClinVar:

ClinVar aggregate classification (germline): Conflicting classifications of pathogenicity. Review status: criteria provided, conflicting classifications (1 of 4 stars). 2 submissions from 2 submitters: Likely pathogenic (1); Uncertain significance (1). Last evaluated 2025-04-17.

Conditions:
Ichthyosis linearis circumflexa. Identifiers: MedGen C0265962, MONDO:0043106, HP:0025810.

Submissions (2):

GeneDx
Classification: Likely pathogenic. Last evaluated: 2025-04-17. Review status: criteria provided, single submitter. Criteria: GeneDx Variant Classification Process June 2021. Collection method: clinical testing. Allele origin: germline. Affected: yes.
Comment: Intronic variant directly or indirectly altering the +5 splice site in a gene for which loss of function is a known mechanism of disease, and splice predictors support a deleterious effect; Not observed at significant frequency in large population cohorts (gnomAD); Has not been previously published as pathogenic or benign to our knowledge

Labcorp Genetics (formerly Invitae), Labcorp
Classification: Uncertain significance for Ichthyosis linearis circumflexa. Last evaluated: 2021-07-17. Review status: criteria provided, single submitter. Criteria: Invitae Variant Classification Sherloc (09022015). Collection method: clinical testing. Allele origin: germline.
Comment: In summary, the available evidence is currently insufficient to determine the role of this variant in disease. Therefore, it has been classified as a Variant of Uncertain Significance. Nucleotide substitutions within the consensus splice site are a relatively common cause of aberrant splicing (PMID: 17576681, 9536098). Algorithms developed to predict the effect of sequence changes on RNA splicing suggest that this variant may disrupt the consensus splice site. This variant has been observed in individual(s) with Netherton syndrome (Invitae). This variant is not present in population databases (ExAC no frequency). This sequence change falls in intron 21 of the SPINK5 gene. It does not directly change the encoded amino acid sequence of the SPINK5 protein. It affects a nucleotide within the consensus splice site of the intron.

Literature cited by the submitters: PubMed 17576681 (cited by Labcorp Genetics (formerly Invitae), Labcorp); PubMed 9536098 (cited by Labcorp Genetics (formerly Invitae), Labcorp).

NM_006846.4(SPINK5):c.2015+5G>T

Gene: SPINK5 (serine peptidase inhibitor Kazal type 5; plus strand). Cytogenetic location: 5q32.
Variant type: single nucleotide variant.
Coding change: c.2015+5G>T on transcript NM_006846.4 (MANE Select); 5 bases into the intron after coding-DNA position 2015, G replaced by T.
Molecular consequence: intron variant.
Genome position (GRCh38, 1-based): chr5:148,114,494, G>T. VCF-style: chr5-148114494-G-T. GRCh37 (hg19) VCF-style: chr5-147494057-G-T.
Other names: c.2015+5G>T (NM_001127698.2, NM_001127699.2).
Identifiers: ClinVar variation 1505969 (VCV001505969.7), dbSNP rs374012512, ClinGen allele CA128932632.